The following is an entry in ClinVar:

ClinVar aggregate classification (germline): Conflicting classifications of pathogenicity. Review status: criteria provided, conflicting classifications (1 of 4 stars). 3 submissions from 3 submitters: Uncertain significance (1); Likely benign (1). 1 of the submissions does not count toward it. Last evaluated 2024-01-09.

Conditions:
ABCA12-related disorder. Also called: ABCA12-related condition.
Congenital ichthyosis of skin. Identifiers: MedGen C0020758.

Allele frequency attached by ClinVar (database versions not stated): TOPMed 0.00004; ExAC 0.00002; ESP Exome Variant Server 0.00023.
gnomAD v4.1: 129 of 1,613,906 alleles (0.008%); highest among the groups gnomAD compares: Middle Eastern, 0.033%; no homozygotes.

Submissions (3):

Labcorp Genetics (formerly Invitae), Labcorp
Classification: Likely benign. Last evaluated: 2024-01-09. Review status: criteria provided, single submitter. Criteria: Invitae Variant Classification Sherloc (09022015). Collection method: clinical testing. Allele origin: germline.

Illumina Laboratory Services, Illumina
Classification: Uncertain significance for Congenital ichthyosis of skin. Last evaluated: 2018-01-13. Review status: criteria provided, single submitter. Criteria: ICSL Variant Classification Criteria 13 December 2019. Collection method: clinical testing. Allele origin: germline.

PreventionGenetics, part of Exact Sciences
Classification: Likely benign for ABCA12-related condition. Last evaluated: 2023-02-13. Review status: no assertion criteria provided. Collection method: clinical testing. Allele origin: germline. Not counted in ClinVar's aggregate classification.
Comment: This variant is classified as likely benign based on ACMG/AMP sequence variant interpretation guidelines (Richards et al. 2015 PMID: 25741868, with internal and published modifications).

NM_173076.3(ABCA12):c.4533A>G (p.Pro1511=)

Gene: ABCA12 (ATP binding cassette subfamily A member 12; minus strand). Cytogenetic location: 2q35.
Variant type: single nucleotide variant.
Coding change: c.4533A>G on transcript NM_173076.3 (MANE Select); coding-DNA position 4533, A replaced by G.
Protein change: p.Pro1511=; no amino-acid change (proline 1511 retained).
Molecular consequence: synonymous variant. On other transcripts: non-coding transcript variant (1).
Genome position (GRCh38, 1-based): chr2:214,982,233, T>C on the plus strand (A>G on the coding strand, the complement: ABCA12 is on the minus strand). VCF-style: chr2-214982233-T-C. GRCh37 (hg19) VCF-style: chr2-215846957-T-C.
Other names: c.3579A>G, p.Pro1193= (NM_015657.4).
Identifiers: ClinVar variation 334243 (VCV000334243.13), dbSNP rs140742656, ClinGen allele CA2091459.
Genomic context (GRCh38, chr2:214,982,233, plus strand): 5'-GAAACTACTCATACCAGTTTTGTTCTTGGATATAACATCCCATATACTTCGGCGAGAACA[T>C]GGGTCAACTCCAGTAGATGGTTCATCCAAAATTACTACCCTTGATCCACCAATGAGAGCT-3'
Protein context (NP_775099.2, residues 1501-1521): ILDEPSTGVD[Pro1511=]CSRRSIWDVI